The following is an entry in ClinVar:

NM_001368894.2(PAX6):c.141+55G>A

Gene: PAX6 (paired box 6; minus strand). Cytogenetic location: 11p13.
Variant type: single nucleotide variant.
Coding change: c.141+55G>A on transcript NM_001368894.2 (MANE Select); 55 bases into the intron after coding-DNA position 141, G replaced by A.
Molecular consequence: intron variant. On other transcripts: missense variant (3).
Genome position (GRCh38, 1-based): chr11:31,802,649, C>T on the plus strand (G>A on the coding strand, the complement: PAX6 is on the minus strand). VCF-style: chr11-31802649-C-T. GRCh37 (hg19) VCF-style: chr11-31824197-C-T.
Other names: c.196G>A, p.Ala66Thr (NM_001368918.2, NM_001368919.2, NM_001368920.2); c.141+55G>A (NM_001127612.3, NM_001368921.2, NM_001368923.2 and 27 more transcripts); c.384+55G>A (NM_001368910.2); c.-267-873G>A (NM_001368909.2, NM_001368904.2); c.144+55G>A (NM_001368911.2); c.-641+55G>A (NM_001368905.2, NM_001310160.2); c.-268+55G>A (NM_001368906.2, NM_001368901.2, NM_001368899.2 and 1 more transcripts); c.-310+55G>A (NM_001368908.2, NM_001310161.3, NM_001368900.2 and 2 more transcripts); and 1 more; short protein forms A66T.
Identifiers: ClinVar variation 1049106 (VCV001049106.26), dbSNP rs571151963, ClinGen allele CA219469146.
Genomic context (GRCh38, chr11:31,802,649, plus strand): 5'-GTGGGTGAGGGTGGGGGGGTCCATAATTAGCATCGTTTACAGTAAGAAATGAAGAGAGGG[C>T]GTTGAGAGTGGAGGGCCGCGGGGGCGGCGAGTGGGGCGGCGCCGGGAGGATCACCTGCAG-3'

ClinVar aggregate classification (germline): Benign. Review status: criteria provided, single submitter (1 of 4 stars). 2 submissions from 2 submitters: Benign (1). 1 of the submissions does not count toward it. Last evaluated 2022-06-01.

Allele frequency attached by ClinVar (database versions not stated): 1000 Genomes Project 30x 0.00047; 1000 Genomes Project 0.00060; TOPMed 0.00093; gnomAD 0.00098 and 0.00101.
gnomAD v4.1: 2,214 of 1,574,862 alleles (0.14%); highest among the groups gnomAD compares: Non-Finnish European, 0.17%; 1 homozygote.

Submissions (2):

CeGaT Center for Human Genetics Tuebingen
Classification: Benign. Last evaluated: 2022-06-01. Review status: criteria provided, single submitter. Criteria: CeGaT Center For Human Genetics Tuebingen Variant Classification Criteria Version 2. Collection method: clinical testing. Allele origin: germline. Affected: yes. Observed: 1 variant allele.
Comment: PAX6: BS1, BS2

Department of Pathology and Laboratory Medicine, Sinai Health System
Classification: Uncertain significance. Review status: no assertion criteria provided. Collection method: clinical testing. Allele origin: unknown. Affected: yes. Study: The Canadian Open Genetics Repository (COGR). Not counted in ClinVar's aggregate classification.